The following is an entry in ClinVar:

ClinVar aggregate classification (germline): Conflicting classifications of pathogenicity. Review status: criteria provided, conflicting classifications (1 of 4 stars). 2 submissions from 2 submitters: Uncertain significance (1); Likely benign (1). Last evaluated 2025-01-19.

Conditions:
Inborn genetic diseases. Identifiers: MedGen C0950123, MeSH D030342.

Allele frequency attached by ClinVar (database versions not stated): ESP Exome Variant Server 0.00008.
gnomAD v4.1: 87 of 1,584,660 alleles (0.0055%); highest among the groups gnomAD compares: Middle Eastern, 0.017%; no homozygotes.

Submissions (2):

Ambry Genetics
Classification: Likely benign for Inborn genetic diseases. Last evaluated: 2025-01-19. Review status: criteria provided, single submitter. Criteria: Ambry Variant Classification Scheme 2023. Collection method: clinical testing. Allele origin: germline.

Labcorp Genetics (formerly Invitae), Labcorp
Classification: Uncertain significance. Last evaluated: 2022-08-20. Review status: criteria provided, single submitter. Criteria: Invitae Variant Classification Sherloc (09022015). Collection method: clinical testing. Allele origin: germline.
Comment: This sequence change replaces serine, which is neutral and polar, with arginine, which is basic and polar, at codon 2 of the PPA2 protein (p.Ser2Arg). This variant is present in population databases (rs58033964, gnomAD 0.01%). This variant has not been reported in the literature in individuals affected with PPA2-related conditions. ClinVar contains an entry for this variant (Variation ID: 1385148). Algorithms developed to predict the effect of missense changes on protein structure and function output the following: SIFT: "Tolerated"; PolyPhen-2: "Benign"; Align-GVGD: "Class C0". The arginine amino acid residue is found in multiple mammalian species, which suggests that this missense change does not adversely affect protein function. In summary, the available evidence is currently insufficient to determine the role of this variant in disease. Therefore, it has been classified as a Variant of Uncertain Significance.

NM_176869.3(PPA2):c.6C>A (p.Ser2Arg)

Genes: PPA2 (inorganic pyrophosphatase 2; minus strand), LOC129992915 (ATAC-STARR-seq lymphoblastoid silent region 15608; plus strand). Cytogenetic location: 4q24.
Variant type: single nucleotide variant.
Coding change: c.6C>A on transcript NM_176869.3 (MANE Select); coding-DNA position 6, C replaced by A.
Protein change: p.Ser2Arg; replaces serine 2 with arginine.
Molecular consequence: missense variant.
Genome position (GRCh38, 1-based): chr4:105,474,045, G>T on the plus strand (C>A on the coding strand, the complement: PPA2 is on the minus strand). VCF-style: chr4-105474045-G-T. GRCh37 (hg19) VCF-style: chr4-106395202-G-T.
Other names: c.6C>A, p.Ser2Arg (NM_006903.4, NM_176866.2, NM_176867.3); c.6C>A (NM_176869.2); short protein forms S2R.
Identifiers: ClinVar variation 1385148 (VCV001385148.4), dbSNP rs58033964, ClinGen allele CA3032885.